The following is an entry in ClinVar:

ClinVar aggregate classification (germline): Uncertain significance. Review status: criteria provided, multiple submitters, no conflicts (2 of 4 stars). 3 submissions from 3 submitters: Uncertain significance (2). 1 of the submissions does not count toward it. Last evaluated 2024-11-14.

Conditions:
Primary ciliary dyskinesia. Also called: Ciliary dyskinesia. Identifiers: Orphanet 244, MedGen C0008780, MONDO:0016575, HP:0012265.

Allele frequency attached by ClinVar (database versions not stated): gnomAD exomes below 0.00001 and 0.00001; ExAC 0.00001; TOPMed 0.00001.
gnomAD v4.1: 3 of 1,614,204 alleles (0.00019%); highest among the groups gnomAD compares: African/African-American, 0.0027%; no homozygotes.

Submissions (3):

Ambry Genetics
Classification: Uncertain significance for Primary ciliary dyskinesia. Last evaluated: 2024-11-14. Review status: criteria provided, single submitter. Criteria: Ambry Variant Classification Scheme 2023. Collection method: clinical testing. Allele origin: germline.

Labcorp Genetics (formerly Invitae), Labcorp
Classification: Uncertain significance for Primary ciliary dyskinesia. Last evaluated: 2023-07-17. Review status: criteria provided, single submitter. Criteria: Invitae Variant Classification Sherloc (09022015). Collection method: clinical testing. Allele origin: germline.
Comment: In summary, the available evidence is currently insufficient to determine the role of this variant in disease. Therefore, it has been classified as a Variant of Uncertain Significance. Advanced modeling of protein sequence and biophysical properties (such as structural, functional, and spatial information, amino acid conservation, physicochemical variation, residue mobility, and thermodynamic stability) has been performed at Invitae for this missense variant, however the output from this modeling did not meet the statistical confidence thresholds required to predict the impact of this variant on DNAH5 protein function. ClinVar contains an entry for this variant (Variation ID: 1018058). This variant has not been reported in the literature in individuals affected with DNAH5-related conditions. This variant is present in population databases (rs751500950, gnomAD 0.01%). This sequence change replaces aspartic acid, which is acidic and polar, with tyrosine, which is neutral and polar, at codon 3459 of the DNAH5 protein (p.Asp3459Tyr).

Natera, Inc.
Classification: Uncertain significance for Primary ciliary dyskinesia. Last evaluated: 2020-01-17. Review status: no assertion criteria provided. Collection method: clinical testing. Allele origin: germline. Not counted in ClinVar's aggregate classification.

NM_001369.3(DNAH5):c.10375G>T (p.Asp3459Tyr)

Gene: DNAH5 (dynein axonemal heavy chain 5; minus strand). Cytogenetic location: 5p15.2.
Variant type: single nucleotide variant.
Coding change: c.10375G>T on transcript NM_001369.3 (MANE Select); coding-DNA position 10375, G replaced by T.
Protein change: p.Asp3459Tyr; replaces aspartic acid 3459 with tyrosine.
Molecular consequence: missense variant.
Genome position (GRCh38, 1-based): chr5:13,758,890, C>A on the plus strand (G>T on the coding strand, the complement: DNAH5 is on the minus strand). VCF-style: chr5-13758890-C-A. GRCh37 (hg19) VCF-style: chr5-13758999-C-A.
Other names: c.10375G>T (NM_001369.2); short protein forms D3459Y.
Identifiers: ClinVar variation 1018058 (VCV001018058.14), dbSNP rs751500950, ClinGen allele CA3202263.